The following is an entry in ClinVar:

ClinVar aggregate classification (germline): Uncertain significance (1 of 4 stars; one submission).

Conditions:
SIM1-related disorder. Also called: SIM1-related disorders; SIM1-related condition.

Submission:

PreventionGenetics, part of Exact Sciences
Classification: Uncertain significance for SIM1-related condition. Last evaluated: 2026-03-03. Review status: criteria provided, single submitter. Criteria: ACMG Guidelines, 2015. Collection method: clinical testing. Allele origin: germline.
Comment: The SIM1 c.2093G>A variant is predicted to result in the amino acid substitution p.Cys698Tyr. To our knowledge, this variant has not been reported in the literature or in a large population database (gnomAD), indicating this variant is rare. At this time, the clinical significance of this variant is uncertain due to the absence of conclusive functional and genetic evidence.

NM_005068.3(SIM1):c.2093G>A (p.Cys698Tyr)

Gene: SIM1 (SIM bHLH transcription factor 1; minus strand). Cytogenetic location: 6q16.3.
Variant type: single nucleotide variant.
Coding change: c.2093G>A on transcript NM_005068.3 (MANE Select); coding-DNA position 2093, G replaced by A.
Protein change: p.Cys698Tyr; replaces cysteine 698 with tyrosine.
Molecular consequence: missense variant.
Genome position (GRCh38, 1-based): chr6:100,390,569, C>T on the plus strand (G>A on the coding strand, the complement: SIM1 is on the minus strand). VCF-style: chr6-100390569-C-T. GRCh37 (hg19) VCF-style: chr6-100838445-C-T.
Other names: c.2093G>A, p.Cys698Tyr (NM_001374769.1); short protein forms C698Y.
Identifiers: ClinVar variation 5001614 (VCV005001614.1).